The following is an entry in ClinVar:

ClinVar aggregate classification (germline): Benign (1 of 4 stars; one submission).

Allele frequency attached by ClinVar (database versions not stated): 1000 Genomes Project 0.12344; 1000 Genomes Project 30x 0.12445; gnomAD 0.13342 and 0.13616; TOPMed 0.13429.
gnomAD v4.1: 14,798 of 111,513 alleles (13%); highest among the groups gnomAD compares: African/African-American, 24%; 917 homozygotes.

Submission:

GeneDx
Classification: Benign. Last evaluated: 2018-06-18. Review status: criteria provided, single submitter. Criteria: GeneDx Variant Classification (06012015). Collection method: clinical testing. Allele origin: germline. Affected: yes.
Comment: This variant is considered likely benign or benign based on one or more of the following criteria: it is a conservative change, it occurs at a poorly conserved position in the protein, it is predicted to be benign by multiple in silico algorithms, and/or has population frequency not consistent with disease.

NM_004006.3(DMD):c.9361+259G>T

Gene: DMD (dystrophin; minus strand). Cytogenetic location: Xp21.2.
Variant type: single nucleotide variant.
Coding change: c.9361+259G>T on transcript NM_004006.3 (MANE Select); 259 bases into the intron after coding-DNA position 9361, G replaced by T.
Molecular consequence: intron variant.
Genome position (GRCh38, 1-based): chrX:31,222,788, C>A on the plus strand (G>T on the coding strand, the complement: DMD is on the minus strand). VCF-style: chrX-31222788-C-A. GRCh37 (hg19) VCF-style: chrX-31240905-C-A.
Other names: c.9337+259G>T (NM_000109.4); c.5338+259G>T (NM_004011.4); c.5329+259G>T (NM_004012.4); c.1981+259G>T (NM_004023.3, NM_004020.4, NM_004022.3 and 2 more transcripts); c.1174+259G>T (NM_004014.3); c.157+259G>T (NM_004018.3, NM_004017.3, NM_004016.3 and 2 more transcripts); c.9349+259G>T (NM_004009.3); c.8992+259G>T (NM_004010.3).
Identifiers: ClinVar variation 680544 (VCV000680544.1), dbSNP rs16989449, ClinGen allele CA328409343.
Genomic context (GRCh38, chrX:31,222,788, plus strand): 5'-AAGGTAGAACAAGGATTGTGCAAGTTTCACAAAGGTAATTATGGATGCCGATGCCAATGC[C>A]AGTAGTTGGAAAATAAAAATTCTCAATATCTTAATTCAACATCAGTAGCTGAGGAATGGT-3'